The following is an entry in ClinVar:

NM_017999.5(RNF31):c.2884C>T (p.Arg962Trp)

Gene: RNF31 (ring finger protein 31; plus strand). Cytogenetic location: 14q12.
Variant type: single nucleotide variant.
Coding change: c.2884C>T on transcript NM_017999.5 (MANE Select); coding-DNA position 2884, C replaced by T.
Protein change: p.Arg962Trp; replaces arginine 962 with tryptophan.
Molecular consequence: missense variant.
Genome position (GRCh38, 1-based): chr14:24,158,184, C>T. VCF-style: chr14-24158184-C-T. GRCh37 (hg19) VCF-style: chr14-24627393-C-T.
Other names: c.2431C>T, p.Arg811Trp (NM_001310332.2); c.2884C>T (NM_017999.4); short protein forms R962W, R811W.
Identifiers: ClinVar variation 1403574 (VCV001403574.7), dbSNP rs750039238, ClinGen allele CA7126194.

ClinVar aggregate classification (germline): Uncertain significance. Review status: criteria provided, multiple submitters, no conflicts (2 of 4 stars). 2 submissions from 2 submitters: Uncertain significance (2). Last evaluated 2024-09-01.

Allele frequency attached by ClinVar (database versions not stated): ExAC 0.00002; gnomAD 0.00002; gnomAD exomes 0.00002; TOPMed 0.00004.

Submissions (2):

Ambry Genetics
Classification: Uncertain significance. Last evaluated: 2024-09-01. Review status: criteria provided, single submitter. Criteria: Ambry Variant Classification Scheme 2023. Collection method: clinical testing. Allele origin: germline.

Labcorp Genetics (formerly Invitae), Labcorp
Classification: Uncertain significance. Last evaluated: 2023-12-02. Review status: criteria provided, single submitter. Criteria: Invitae Variant Classification Sherloc (09022015). Collection method: clinical testing. Allele origin: germline.
Comment: This sequence change replaces arginine, which is basic and polar, with tryptophan, which is neutral and slightly polar, at codon 962 of the RNF31 protein (p.Arg962Trp). This variant is present in population databases (rs750039238, gnomAD 0.008%). This variant has not been reported in the literature in individuals affected with RNF31-related conditions. ClinVar contains an entry for this variant (Variation ID: 1403574). An algorithm developed to predict the effect of missense changes on protein structure and function (PolyPhen-2) suggests that this variant is likely to be disruptive. In summary, the available evidence is currently insufficient to determine the role of this variant in disease. Therefore, it has been classified as a Variant of Uncertain Significance.